The following is an entry in ClinVar:

NM_000358.3(TGFBI):c.598A>T (p.Ile200Phe)

Gene: TGFBI (transforming growth factor beta induced; plus strand). Cytogenetic location: 5q31.1.
Variant type: single nucleotide variant.
Coding change: c.598A>T on transcript NM_000358.3 (MANE Select); coding-DNA position 598, A replaced by T.
Protein change: p.Ile200Phe; replaces isoleucine 200 with phenylalanine.
Molecular consequence: missense variant.
Genome position (GRCh38, 1-based): chr5:136,046,989, A>T. VCF-style: chr5-136046989-A-T. GRCh37 (hg19) VCF-style: chr5-135382678-A-T.
Other names: short protein forms I200F.
Identifiers: ClinVar variation 3730433 (VCV003730433.2).
Genomic context (GRCh38, chr5:136,046,989, plus strand): 5'-GTCCTGACTGATGAGCTGAAACACGGCATGACCCTCACCTCTATGTACCAGAATTCCAAC[A>T]TCCAGATCCACCACTATCCTAATGGGGTAGGGGATCCCCAGCCATACTGCATGGCCCTTG-3'
Protein context (NP_000349.1, residues 190-210): TLTSMYQNSN[Ile200Phe]QIHHYPNGIV

ClinVar aggregate classification (germline): Uncertain significance (1 of 4 stars; one submission).

gnomAD v4.1: 102 of 1,613,004 alleles (0.0063%); highest among the groups gnomAD compares: African/African-American, 0.12%; no homozygotes.

Submission:

Labcorp Genetics (formerly Invitae), Labcorp
Classification: Uncertain significance. Last evaluated: 2024-03-19. Review status: criteria provided, single submitter. Criteria: Invitae Variant Classification Sherloc (09022015). Collection method: clinical testing. Allele origin: germline.
Comment: This sequence change replaces isoleucine, which is neutral and non-polar, with phenylalanine, which is neutral and non-polar, at codon 200 of the TGFBI protein (p.Ile200Phe). This variant is present in population databases (rs45455404, gnomAD 0.1%). This missense change has been observed in individual(s) with corneal dystrophies (PMID: 25284770). Advanced modeling of protein sequence and biophysical properties (such as structural, functional, and spatial information, amino acid conservation, physicochemical variation, residue mobility, and thermodynamic stability) performed at Invitae indicates that this missense variant is not expected to disrupt TGFBI protein function with a negative predictive value of 80%. In summary, the available evidence is currently insufficient to determine the role of this variant in disease. Therefore, it has been classified as a Variant of Uncertain Significance.

Literature cited by the submitters: PubMed 25284770.